The following is an entry in ClinVar:

ClinVar aggregate classification (germline): Uncertain significance (1 of 4 stars; one submission).

Conditions:
Osteogenesis imperfecta type 8 (OI8). Identifiers: MedGen C1970458, MONDO:0012581, OMIM 610915.

Allele frequency attached by ClinVar (database versions not stated): ExAC 0.00002; gnomAD 0.00003 and 0.00004; TOPMed 0.00003; gnomAD exomes 0.00004; 1000 Genomes Project 30x 0.00016; 1000 Genomes Project 0.00020.

Submission:

Labcorp Genetics (formerly Invitae), Labcorp
Classification: Uncertain significance for Osteogenesis imperfecta type 8. Last evaluated: 2022-07-25. Review status: criteria provided, single submitter. Criteria: Invitae Variant Classification Sherloc (09022015). Collection method: clinical testing. Allele origin: germline.
Comment: This sequence change replaces threonine, which is neutral and polar, with methionine, which is neutral and non-polar, at codon 542 of the P3H1 protein (p.Thr542Met). This variant is present in population databases (rs201236270, gnomAD 0.02%). This variant has not been reported in the literature in individuals affected with P3H1-related conditions. ClinVar contains an entry for this variant (Variation ID: 1450319). Algorithms developed to predict the effect of missense changes on protein structure and function are either unavailable or do not agree on the potential impact of this missense change (SIFT: "Tolerated"; PolyPhen-2: "Probably Damaging"; Align-GVGD: "Class C0"). In summary, the available evidence is currently insufficient to determine the role of this variant in disease. Therefore, it has been classified as a Variant of Uncertain Significance.

NM_022356.4(P3H1):c.1625C>T (p.Thr542Met)

Gene: P3H1 (prolyl 3-hydroxylase 1; minus strand). Cytogenetic location: 1p34.2.
Variant type: single nucleotide variant.
Coding change: c.1625C>T on transcript NM_022356.4 (MANE Select); coding-DNA position 1625, C replaced by T.
Protein change: p.Thr542Met; replaces threonine 542 with methionine.
Molecular consequence: missense variant.
Genome position (GRCh38, 1-based): chr1:42,750,281, G>A on the plus strand (C>T on the coding strand, the complement: P3H1 is on the minus strand). VCF-style: chr1-42750281-G-A. GRCh37 (hg19) VCF-style: chr1-43215952-G-A.
Other names: c.1625C>T, p.Thr542Met (NM_001146289.2, NM_001243246.2); short protein forms T542M.
Identifiers: ClinVar variation 1450319 (VCV001450319.3), dbSNP rs201236270, ClinGen allele CA801755.